The following is an entry in ClinVar:

NM_005198.5(CHKB):c.146C>T (p.Ala49Val)

Genes: CHKB (choline kinase beta; minus strand), CHKB-CPT1B (CHKB-CPT1B readthrough (NMD candidate); minus strand). Cytogenetic location: 22q13.33.
Variant type: single nucleotide variant.
Coding change: c.146C>T on transcript NM_005198.5 (MANE Select); coding-DNA position 146, C replaced by T.
Protein change: p.Ala49Val; replaces alanine 49 with valine.
Molecular consequence: missense variant. On other transcripts: non-coding transcript variant (1).
Genome position (GRCh38, 1-based): chr22:50,582,636, G>A on the plus strand (C>T on the coding strand, the complement: CHKB is on the minus strand). VCF-style: chr22-50582636-G-A. GRCh37 (hg19) VCF-style: chr22-51021065-G-A.
Other names: short protein forms A49V.
Identifiers: ClinVar variation 1937970 (VCV001937970.5), dbSNP rs2522792904, ClinGen allele CA412203370.

ClinVar aggregate classification (germline): Uncertain significance (1 of 4 stars; one submission).

Conditions:
Megaconial type congenital muscular dystrophy (MDCMC). Also called: CHKB-Related Muscular Dystrophy; MUSCULAR DYSTROPHY, CONGENITAL, WITH MITOCHONDRIAL STRUCTURAL ABNORMALITIES; CHKB-Related Muscle Diseases. Identifiers: Orphanet 280671, MedGen C1865233, MONDO:0011246, OMIM 602541.

Submission:

Labcorp Genetics (formerly Invitae), Labcorp
Classification: Uncertain significance for Megaconial type congenital muscular dystrophy. Last evaluated: 2022-04-06. Review status: criteria provided, single submitter. Criteria: Invitae Variant Classification Sherloc (09022015). Collection method: clinical testing. Allele origin: germline.
Comment: This sequence change replaces alanine, which is neutral and non-polar, with valine, which is neutral and non-polar, at codon 49 of the CHKB protein (p.Ala49Val). This variant is not present in population databases (gnomAD no frequency). This variant has not been reported in the literature in individuals affected with CHKB-related conditions. Algorithms developed to predict the effect of missense changes on protein structure and function are either unavailable or do not agree on the potential impact of this missense change (SIFT: "Tolerated"; PolyPhen-2: "Probably Damaging"; Align-GVGD: "Class C0"). In summary, the available evidence is currently insufficient to determine the role of this variant in disease. Therefore, it has been classified as a Variant of Uncertain Significance.